The following is an entry in ClinVar:

ClinVar aggregate classification (germline): Uncertain significance (1 of 4 stars; one submission).

Conditions:
Long QT syndrome (LQTS). Identifiers: MedGen C0023976, MeSH D008133, MONDO:0002442. Disease mechanism: loss of function. Inheritance: Various modes of inheritance.

Submission:

Labcorp Genetics (formerly Invitae), Labcorp
Classification: Uncertain significance for Long QT syndrome. Last evaluated: 2025-12-09. Review status: criteria provided, single submitter. Criteria: Invitae Variant Classification Sherloc (09022015). Collection method: clinical testing. Allele origin: germline.
Comment: This sequence change replaces valine, which is neutral and non-polar, with glycine, which is neutral and non-polar, at codon 418 of the KCNQ1 protein (p.Val418Gly). This variant is not present in population databases (gnomAD no frequency). This variant has not been reported in the literature in individuals affected with KCNQ1-related conditions. Invitae Evidence Modeling of protein sequence and biophysical properties (such as structural, functional, and spatial information, amino acid conservation, physicochemical variation, residue mobility, and thermodynamic stability) indicates that this missense variant is not expected to disrupt KCNQ1 protein function with a negative predictive value of 95%. In summary, the available evidence is currently insufficient to determine the role of this variant in disease. Therefore, it has been classified as a Variant of Uncertain Significance.

NM_000218.3(KCNQ1):c.1253T>G (p.Val418Gly)

Gene: KCNQ1 (potassium voltage-gated channel subfamily Q member 1; plus strand). Cytogenetic location: 11p15.5.
Variant type: single nucleotide variant.
Coding change: c.1253T>G on transcript NM_000218.3 (MANE Select); coding-DNA position 1253, T replaced by G.
Protein change: p.Val418Gly; replaces valine 418 with glycine.
Molecular consequence: missense variant.
Genome position (GRCh38, 1-based): chr11:2,588,714, T>G. VCF-style: chr11-2588714-T-G. GRCh37 (hg19) VCF-style: chr11-2609944-T-G.
Other names: c.1157T>G, p.Val386Gly (NM_001406836.1); c.983T>G, p.Val328Gly (NM_001406837.1); c.713T>G, p.Val238Gly (NM_001406838.1); c.872T>G, p.Val291Gly (NM_181798.2); short protein forms V418G, V328G, V291G, V238G, V386G.
Identifiers: ClinVar variation 4709537 (VCV004709537.1).